The following is an entry in ClinVar:

NM_006767.4(LZTR1):c.1658T>C (p.Leu553Pro)

Gene: LZTR1 (leucine zipper like post translational regulator 1; plus strand). Cytogenetic location: 22q11.21.
Variant type: single nucleotide variant.
Coding change: c.1658T>C on transcript NM_006767.4 (MANE Select); coding-DNA position 1658, T replaced by C.
Protein change: p.Leu553Pro; replaces leucine 553 with proline.
Molecular consequence: missense variant.
Genome position (GRCh38, 1-based): chr22:20,994,600, T>C. VCF-style: chr22-20994600-T-C. GRCh37 (hg19) VCF-style: chr22-21348889-T-C.
Other names: short protein forms L553P.
Identifiers: ClinVar variation 1035218 (VCV001035218.10), dbSNP rs1349551741, ClinGen allele CA410776704.

ClinVar aggregate classification (germline): Uncertain significance. Review status: criteria provided, multiple submitters, no conflicts (2 of 4 stars). 2 submissions from 2 submitters: Uncertain significance (2). Last evaluated 2025-08-11.

Conditions:
Hereditary cancer-predisposing syndrome. Also called: Hereditary neoplastic syndrome; Neoplastic Syndromes, Hereditary; Tumor predisposition; Hereditary Cancer Syndrome. Identifiers: Orphanet 140162, MedGen C0027672, MeSH D009386, MONDO:0015356.
Cardiovascular phenotype. Identifiers: MedGen CN230736.

Allele frequency attached by ClinVar (database versions not stated): TOPMed below 0.00001.
gnomAD v4.1: 3 of 1,612,522 alleles (0.00019%); highest among the groups gnomAD compares: South Asian, 0.0011%; no homozygotes.

Submissions (2):

Labcorp Genetics (formerly Invitae), Labcorp
Classification: Uncertain significance. Last evaluated: 2025-08-11. Review status: criteria provided, single submitter. Criteria: Invitae Variant Classification Sherloc (09022015). Collection method: clinical testing. Allele origin: germline.
Comment: This sequence change replaces leucine, which is neutral and non-polar, with proline, which is neutral and non-polar, at codon 553 of the LZTR1 protein (p.Leu553Pro). This variant is not present in population databases (gnomAD no frequency). This missense change has been observed in individual(s) with hypertrophic cardiomyopathy (PMID: 36252119). ClinVar contains an entry for this variant (Variation ID: 1035218). Invitae Evidence Modeling of protein sequence and biophysical properties (such as structural, functional, and spatial information, amino acid conservation, physicochemical variation, residue mobility, and thermodynamic stability) indicates that this missense variant is not expected to disrupt LZTR1 protein function with a negative predictive value of 80%. In summary, the available evidence is currently insufficient to determine the role of this variant in disease. Therefore, it has been classified as a Variant of Uncertain Significance.

Ambry Genetics
Classification: Uncertain significance for Cardiovascular phenotype; Hereditary cancer-predisposing syndrome. Last evaluated: 2021-10-22. Review status: criteria provided, single submitter. Criteria: Ambry General Variant Classification Scheme_2022. Collection method: clinical testing. Allele origin: germline. Observed: 1 variant allele.
Comment: The p.L553P variant (also known as c.1658T>C), located in coding exon 15 of the LZTR1 gene, results from a T to C substitution at nucleotide position 1658. The leucine at codon 553 is replaced by proline, an amino acid with similar properties. This amino acid position is highly conserved in available vertebrate species. In addition, the in silico prediction for this alteration is inconclusive. Since supporting evidence is limited at this time, the clinical significance of this alteration remains unclear.

Literature cited by the submitters: PubMed 36252119 (cited by Labcorp Genetics (formerly Invitae), Labcorp).